The following is an entry in ClinVar:

ClinVar aggregate classification (germline): Uncertain significance (1 of 4 stars; one submission).

Submission:

Labcorp Genetics (formerly Invitae), Labcorp
Classification: Uncertain significance. Last evaluated: 2025-02-27. Review status: criteria provided, single submitter. Criteria: Invitae Variant Classification Sherloc (09022015). Collection method: clinical testing. Allele origin: germline.
Comment: This sequence change replaces arginine, which is basic and polar, with proline, which is neutral and non-polar, at codon 512 of the ZNF408 protein (p.Arg512Pro). This variant is not present in population databases (gnomAD no frequency). This variant has not been reported in the literature in individuals affected with ZNF408-related conditions. An algorithm developed to predict the effect of missense changes on protein structure and function (PolyPhen-2) suggests that this variant is likely to be disruptive. In summary, the available evidence is currently insufficient to determine the role of this variant in disease. Therefore, it has been classified as a Variant of Uncertain Significance.

NM_024741.3(ZNF408):c.1535G>C (p.Arg512Pro)

Gene: ZNF408 (zinc finger protein 408; plus strand). Cytogenetic location: 11p11.2.
Variant type: single nucleotide variant.
Coding change: c.1535G>C on transcript NM_024741.3 (MANE Select); coding-DNA position 1535, G replaced by C.
Protein change: p.Arg512Pro; replaces arginine 512 with proline.
Molecular consequence: missense variant.
Genome position (GRCh38, 1-based): chr11:46,705,235, G>C. VCF-style: chr11-46705235-G-C. GRCh37 (hg19) VCF-style: chr11-46726785-G-C.
Other names: c.1511G>C, p.Arg504Pro (NM_001184751.2); short protein forms R512P, R504P.
Identifiers: ClinVar variation 4714090 (VCV004714090.1).